The following is an entry in ClinVar:

ClinVar aggregate classification (germline): Likely benign. Review status: criteria provided, multiple submitters, no conflicts (2 of 4 stars). 3 submissions from 3 submitters: Likely benign (3). Last evaluated 2025-11-28.

Conditions:
Charcot-Marie-Tooth disease type 2. Also called: Charcot-Marie-Tooth type 2. Identifiers: Orphanet 64746, MedGen C0270914, MONDO:0018993.

Submissions (3):

Women's Health and Genetics/Laboratory Corporation of America, LabCorp
Classification: Likely benign. Last evaluated: 2025-11-28. Review status: criteria provided, single submitter. Criteria: LabCorp Variant Classification Summary - May 2015. Collection method: clinical testing. Allele origin: germline.
Comment: Variant summary: KIF1B c.4686+16_4686+17delGT alters nucleotides located at a position not widely known to affect splicing. Consensus agreement among computation tools predict no significant impact on normal splicing. However, these predictions have yet to be confirmed by functional studies. The variant allele was found at a frequency of 2.8e-05 in 251452 control chromosomes. The available data on variant occurrences in the general population are insufficient to allow any conclusion about variant significance. To our knowledge, no occurrence of c.4686+16_4686+17delGT in individuals affected with KIF1B-related conditions and no experimental evidence demonstrating its impact on protein function have been reported. ClinVar contains an entry for this variant (Variation ID: 1592204). Based on the evidence outlined above, the variant was classified as likely benign.

Labcorp Genetics (formerly Invitae), Labcorp
Classification: Likely benign for Charcot-Marie-Tooth disease type 2. Last evaluated: 2025-11-17. Review status: criteria provided, single submitter. Criteria: Invitae Variant Classification Sherloc (09022015). Collection method: clinical testing. Allele origin: germline.

Blueprint Genetics
Classification: Likely benign. Last evaluated: 2024-07-18. Review status: criteria provided, single submitter. Criteria: ACMG Guidelines, 2015. Collection method: clinical testing. Allele origin: germline.

NM_001365951.3(KIF1B):c.4824+16_4824+17del

Gene: KIF1B (kinesin family member 1B; plus strand). Cytogenetic location: 1p36.22.
Variant type: Deletion.
Coding change: c.4824+16_4824+17del on transcript NM_001365951.3 (MANE Select); bases 16 to 17 of the intron after coding-DNA position 4824, 2 bases deleted (GT; older notation c.4824+16_4824+17delGT).
Molecular consequence: intron variant.
Genome position (GRCh38, 1-based): chr1:10,368,554-10,368,555, GT deleted; deleting any 2 consecutive bases within chr1:10,368,553-10,368,555 gives the same sequence; the c. name uses the placement nearest the transcript's 3' end. VCF-style (leftmost placement, unchanged base first): chr1-10368552-CTG-C. GRCh37 (hg19) VCF-style: chr1-10428610-CTG-C.
Other names: c.4686+16_4686+17delGT (NM_015074.3); c.4686+16_4686+17del (NM_015074.3); c.4824+16_4824+17del (NM_001365952.1).
Identifiers: ClinVar variation 1592204 (VCV001592204.10), dbSNP rs764397992, ClinGen allele CA582186.